The following is an entry in ClinVar:

NM_000165.5(GJA1):c.328G>A (p.Glu110Lys)

Gene: GJA1 (gap junction protein alpha 1; plus strand). Cytogenetic location: 6q22.31.
Variant type: single nucleotide variant.
Coding change: c.328G>A on transcript NM_000165.5 (MANE Select); coding-DNA position 328, G replaced by A.
Protein change: p.Glu110Lys; replaces glutamic acid 110 with lysine.
Molecular consequence: missense variant.
Genome position (GRCh38, 1-based): chr6:121,447,175, G>A. VCF-style: chr6-121447175-G-A. GRCh37 (hg19) VCF-style: chr6-121768321-G-A.
Other names: short protein forms E110K.
Identifiers: ClinVar variation 2880971 (VCV002880971.3), dbSNP rs2536821643, ClinGen allele CA365558726.

ClinVar aggregate classification (germline): Uncertain significance (1 of 4 stars; one submission).

Conditions:
Oculodentodigital dysplasia, autosomal recessive. Also called: OCULODENTOOSSEOUS DYSPLASIA, AUTOSOMAL RECESSIVE; ODDD, AUTOSOMAL RECESSIVE; ODOD, AUTOSOMAL RECESSIVE. Identifiers: Orphanet 2710, MedGen C2749477, MONDO:0009768, OMIM 257850.

Submission:

Labcorp Genetics (formerly Invitae), Labcorp
Classification: Uncertain significance for Oculodentodigital dysplasia, autosomal recessive. Last evaluated: 2023-10-05. Review status: criteria provided, single submitter. Criteria: Invitae Variant Classification Sherloc (09022015). Collection method: clinical testing. Allele origin: germline.
Comment: This sequence change replaces glutamic acid, which is acidic and polar, with lysine, which is basic and polar, at codon 110 of the GJA1 protein (p.Glu110Lys). This variant is not present in population databases (gnomAD no frequency). This variant has not been reported in the literature in individuals affected with GJA1-related conditions. Advanced modeling of protein sequence and biophysical properties (such as structural, functional, and spatial information, amino acid conservation, physicochemical variation, residue mobility, and thermodynamic stability) performed at Invitae indicates that this missense variant is not expected to disrupt GJA1 protein function. This variant disrupts the p.Glu110 amino acid residue in GJA1. Other variant(s) that disrupt this residue have been determined to be pathogenic (PMID: 16378922). This suggests that this residue is clinically significant, and that variants that disrupt this residue are likely to be disease-causing. In summary, the available evidence is currently insufficient to determine the role of this variant in disease. Therefore, it has been classified as a Variant of Uncertain Significance.

Literature cited by the submitters: PubMed 16378922.